The following is an entry in ClinVar:

ClinVar aggregate classification (germline): Uncertain significance (1 of 4 stars; one submission).

Conditions:
T-B+ severe combined immunodeficiency due to JAK3 deficiency. Also called: SCID, autosomal recessive, T-negative/B-positive type; SCID, T CELL-NEGATIVE, B CELL-POSITIVE, NK CELL-NEGATIVE. Identifiers: Orphanet 35078, MedGen C1833275, MONDO:0010938, OMIM 600802.

Allele frequency attached by ClinVar (database versions not stated): gnomAD exomes below 0.00001.
gnomAD v4.1: 3 of 1,613,978 alleles (0.00019%); highest among the groups gnomAD compares: African/African-American, 0.0027%; no homozygotes.

Submission:

Labcorp Genetics (formerly Invitae), Labcorp
Classification: Uncertain significance for T-B+ severe combined immunodeficiency due to JAK3 deficiency. Last evaluated: 2022-02-08. Review status: criteria provided, single submitter. Criteria: Invitae Variant Classification Sherloc (09022015). Collection method: clinical testing. Allele origin: germline.
Comment: This sequence change replaces valine, which is neutral and non-polar, with isoleucine, which is neutral and non-polar, at codon 500 of the JAK3 protein (p.Val500Ile). This variant is not present in population databases (gnomAD no frequency). This variant has not been reported in the literature in individuals affected with JAK3-related conditions. ClinVar contains an entry for this variant (Variation ID: 1045217). Advanced modeling of protein sequence and biophysical properties (such as structural, functional, and spatial information, amino acid conservation, physicochemical variation, residue mobility, and thermodynamic stability) performed at Invitae indicates that this missense variant is not expected to disrupt JAK3 protein function. In summary, the available evidence is currently insufficient to determine the role of this variant in disease. Therefore, it has been classified as a Variant of Uncertain Significance.

NM_000215.4(JAK3):c.1498G>A (p.Val500Ile)

Gene: JAK3 (Janus kinase 3; minus strand). Cytogenetic location: 19p13.11.
Variant type: single nucleotide variant.
Coding change: c.1498G>A on transcript NM_000215.4 (MANE Select); coding-DNA position 1498, G replaced by A.
Protein change: p.Val500Ile; replaces valine 500 with isoleucine.
Molecular consequence: missense variant.
Genome position (GRCh38, 1-based): chr19:17,838,334, C>T on the plus strand (G>A on the coding strand, the complement: JAK3 is on the minus strand). VCF-style: chr19-17838334-C-T. GRCh37 (hg19) VCF-style: chr19-17949143-C-T.
Other names: short protein forms V500I.
Identifiers: ClinVar variation 1045217 (VCV001045217.8), dbSNP rs2094229434, ClinGen allele CA404769979.